The following is an entry in ClinVar:

ClinVar aggregate classification (germline): Uncertain significance. Review status: criteria provided, multiple submitters, no conflicts (2 of 4 stars). 2 submissions from 2 submitters: Uncertain significance (2). Last evaluated 2022-06-04.

Allele frequency attached by ClinVar (database versions not stated): gnomAD exomes 0.00002 and 0.00020; ExAC 0.00003; gnomAD 0.00004; TOPMed 0.00005; ESP Exome Variant Server 0.00025.
gnomAD v4.1: 257 of 1,406,302 alleles (0.018%); highest among the groups gnomAD compares: Non-Finnish European, 0.024%; no homozygotes.

Submissions (2):

Labcorp Genetics (formerly Invitae), Labcorp
Classification: Uncertain significance. Last evaluated: 2022-06-04. Review status: criteria provided, single submitter. Criteria: Invitae Variant Classification Sherloc (09022015). Collection method: clinical testing. Allele origin: germline.
Comment: This sequence change replaces lysine, which is basic and polar, with asparagine, which is neutral and polar, at codon 50 of the LYRM7 protein (p.Lys50Asn). This variant is present in population databases (rs373893622, gnomAD 0.009%). This variant has not been reported in the literature in individuals affected with LYRM7-related conditions. ClinVar contains an entry for this variant (Variation ID: 1176812). Algorithms developed to predict the effect of missense changes on protein structure and function (SIFT, PolyPhen-2, Align-GVGD) all suggest that this variant is likely to be tolerated. In summary, the available evidence is currently insufficient to determine the role of this variant in disease. Therefore, it has been classified as a Variant of Uncertain Significance.

CeGaT Center for Human Genetics Tuebingen
Classification: Uncertain significance. Last evaluated: 2021-03-01. Review status: criteria provided, single submitter. Criteria: CeGaT Center For Human Genetics Tuebingen Variant Classification Criteria Version 2. Collection method: clinical testing. Allele origin: germline. Affected: yes. Observed: 1 variant allele.

NM_181705.4(LYRM7):c.150G>C (p.Lys50Asn)

Gene: LYRM7 (LYR motif containing 7; plus strand). Cytogenetic location: 5q23.3.
Variant type: single nucleotide variant.
Coding change: c.150G>C on transcript NM_181705.4 (MANE Select); coding-DNA position 150, G replaced by C.
Protein change: p.Lys50Asn; replaces lysine 50 with asparagine.
Molecular consequence: missense variant.
Genome position (GRCh38, 1-based): chr5:131,182,287, G>C. VCF-style: chr5-131182287-G-C. GRCh37 (hg19) VCF-style: chr5-130517980-G-C.
Other names: c.150G>C, p.Lys50Asn (NM_001293735.2); short protein forms K50N.
Identifiers: ClinVar variation 1176812 (VCV001176812.39), dbSNP rs373893622, ClinGen allele CA3398762.